The following is an entry in ClinVar:

NM_001370259.2(MEN1):c.119_124del (p.Val40_Leu41del)

Gene: MEN1 (menin 1; minus strand). Cytogenetic location: 11q13.1.
Variant type: Deletion.
Coding change: c.119_124del on transcript NM_001370259.2 (MANE Select); coding-DNA positions 119 to 124, 6 bases deleted (TGCTGG; older notation c.119_124delTGCTGG).
Protein change: p.Val40_Leu41del.
Molecular consequence: inframe deletion.
Genome position (GRCh38, 1-based): chr11:64,809,986-64,809,991, CCAGCA deleted on the plus strand (TGCTGG on the coding strand, the reverse complement: MEN1 is on the minus strand); deleting any 6 consecutive bases within chr11:64,809,986-64,809,994 gives the same sequence; the c. name uses the placement nearest the transcript's 3' end. VCF-style (leftmost placement, unchanged base first): chr11-64809985-CCCAGCA-C. GRCh37 (hg19) VCF-style: chr11-64577457-CCCAGCA-C.
Other names: c.119_124delTGCTGG (NM_130799.2, NM_000244.3); c.119_124del, p.Val40_Leu41del (NM_000244.4, NM_001370251.2, NM_001370260.2 and 9 more transcripts).
Identifiers: ClinVar variation 36522 (VCV000036522.10), dbSNP rs386134248, ClinGen allele CA009063.

ClinVar aggregate classification (germline): Uncertain significance. Review status: criteria provided, multiple submitters, no conflicts (2 of 4 stars). 2 submissions from 2 submitters: Uncertain significance (2). Last evaluated 2018-06-08.

Conditions:
Multiple endocrine neoplasia, type 1 (MEN1). Also called: Endocrine adenomatosis multiple; MEN 1; MEA I; MEN I; WERMER SYNDROME. Identifiers: Orphanet 652, MedGen C0025267, MeSH D018761, MONDO:0007540, OMIM 131100.

Submissions (2):

Women's Health and Genetics/Laboratory Corporation of America, LabCorp
Classification: Uncertain significance. Last evaluated: 2018-06-08. Review status: criteria provided, single submitter. Criteria: LabCorp Variant Classification Summary - May 2015. Collection method: clinical testing. Allele origin: germline.
Comment: Variant summary: MEN1 c.119_124delTGCTGG (p.Val40_Leu41del) results in an in-frame deletion that is predicted to remove two amino acids (Val, Leu) from the encoded protein. The variant was absent in 217338 control chromosomes (in gnomAD). The available data on variant occurrences in the general population are insufficient to allow any conclusion about variant significance. To our knowledge, no occurrence of c.119_124delTGCTGG in individuals affected with Multiple Endocrine Neoplasia Type 1 and no experimental evidence demonstrating its impact on protein function have been reported. No clinical diagnostic laboratories have submitted clinical-significance assessments for this variant to ClinVar after 2014. Based on the evidence outlined above, the variant was classified as uncertain significance.

Labcorp Genetics (formerly Invitae), Labcorp
Classification: Uncertain significance for Multiple endocrine neoplasia, type 1. Last evaluated: 2018-05-10. Review status: criteria provided, single submitter. Criteria: Invitae Variant Classification Sherloc (09022015). Collection method: clinical testing. Allele origin: germline.
Comment: In summary, the available evidence is currently insufficient to determine the role of this variant in disease. Therefore, it has been classified as a Variant of Uncertain Significance. Experimental studies and prediction algorithms are not available for this variant, and the functional significance of the deleted amino acids is currently unknown. This variant has been observed in an individual affected with multiple endocrine neoplasia type 1 (PMID: 26767918). ClinVar contains an entry for this variant (Variation ID: 36522). This variant is not present in population databases (ExAC no frequency). This variant, c.119_124delTGCTGG, results in the deletion of 2 amino acid(s) of the MEN1 protein (p.Val40_Leu41del), but otherwise preserves the integrity of the reading frame.

Literature cited by the submitters: PubMed 26767918 (cited by Women's Health and Genetics/Laboratory Corporation of America, LabCorp and Labcorp Genetics (formerly Invitae), Labcorp).